The following is an entry in ClinVar:

NM_019842.4(KCNQ5):c.1667G>C (p.Gly556Ala)

Gene: KCNQ5 (potassium voltage-gated channel subfamily Q member 5; plus strand). Cytogenetic location: 6q13.
Variant type: single nucleotide variant.
Coding change: c.1667G>C on transcript NM_019842.4 (MANE Select); coding-DNA position 1667, G replaced by C.
Protein change: p.Gly556Ala; replaces glycine 556 with alanine.
Molecular consequence: missense variant.
Genome position (GRCh38, 1-based): chr6:73,190,662, G>C. VCF-style: chr6-73190662-G-C. GRCh37 (hg19) VCF-style: chr6-73900385-G-C.
Other names: c.1640G>C, p.Gly547Ala (NM_001160130.2); c.1697G>C, p.Gly566Ala (NM_001160132.2); c.1724G>C, p.Gly575Ala (NM_001160133.2); c.1337G>C, p.Gly446Ala (NM_001160134.2); short protein forms G547A, G566A, G556A, G575A, G446A.
Identifiers: ClinVar variation 2775437 (VCV002775437.1), dbSNP rs1765561142, ClinGen allele CA364693245.

ClinVar aggregate classification (germline): Likely pathogenic (1 of 4 stars; one submission).

Conditions:
Intellectual developmental disorder, autosomal dominant 46. Also called: MENTAL RETARDATION, AUTOSOMAL DOMINANT 46; Intellectual disability, autosomal dominant 46. Identifiers: MedGen C4539851, MONDO:0030911, OMIM 617601.

Submission:

Institute of Immunology and Genetics Kaiserslautern
Classification: Likely pathogenic for Intellectual developmental disorder, autosomal dominant 46. Last evaluated: 2024-02-02. Review status: criteria provided, single submitter. Criteria: ACMG Guidelines, 2015. Collection method: clinical testing. Allele origin: de novo. Affected: yes.
Comment: ACMG Criteria: PM2, PP2, PP3, PS2; Variant was found in heterozygous state